The following is an entry in ClinVar:

ClinVar aggregate classification (germline): Uncertain significance (1 of 4 stars; one submission).

Conditions:
Hypertrophic cardiomyopathy 19. Also called: Familial hypertrophic cardiomyopathy 19. Identifiers: MedGen CN077603, MONDO:0013476.

Allele frequency attached by ClinVar (database versions not stated): ExAC 0.00001; gnomAD 0.00001; ESP Exome Variant Server 0.00008.
gnomAD v4.1: 8 of 1,613,868 alleles (0.0005%); highest among the groups gnomAD compares: South Asian, 0.0044%; no homozygotes.

Submission:

Labcorp Genetics (formerly Invitae), Labcorp
Classification: Uncertain significance for Hypertrophic cardiomyopathy 19. Last evaluated: 2024-05-04. Review status: criteria provided, single submitter. Criteria: Invitae Variant Classification Sherloc (09022015). Collection method: clinical testing. Allele origin: germline.
Comment: This sequence change replaces threonine, which is neutral and polar, with isoleucine, which is neutral and non-polar, at codon 203 of the CALR3 protein (p.Thr203Ile). This variant is present in population databases (rs150376706, gnomAD 0.007%). This variant has not been reported in the literature in individuals affected with CALR3-related conditions. ClinVar contains an entry for this variant (Variation ID: 2188727). Advanced modeling of protein sequence and biophysical properties (such as structural, functional, and spatial information, amino acid conservation, physicochemical variation, residue mobility, and thermodynamic stability) performed at Invitae indicates that this missense variant is not expected to disrupt CALR3 protein function with a negative predictive value of 80%. In summary, the available evidence is currently insufficient to determine the role of this variant in disease. Therefore, it has been classified as a Variant of Uncertain Significance.

NM_145046.5(CALR3):c.608C>T (p.Thr203Ile)

Gene: CALR3 (calreticulin 3; minus strand). Cytogenetic location: 19p13.11.
Variant type: single nucleotide variant.
Coding change: c.608C>T on transcript NM_145046.5 (MANE Select); coding-DNA position 608, C replaced by T.
Protein change: p.Thr203Ile; replaces threonine 203 with isoleucine.
Molecular consequence: missense variant.
Genome position (GRCh38, 1-based): chr19:16,484,000, G>A on the plus strand (C>T on the coding strand, the complement: CALR3 is on the minus strand). VCF-style: chr19-16484000-G-A. GRCh37 (hg19) VCF-style: chr19-16594811-G-A.
Other names: short protein forms T203I.
Identifiers: ClinVar variation 2188727 (VCV002188727.4), dbSNP rs150376706, ClinGen allele CA9278342.